The following is an entry in ClinVar:

ClinVar aggregate classification (germline): Uncertain significance (1 of 4 stars; one submission).

Submission:

CeGaT Center for Human Genetics Tuebingen
Classification: Uncertain significance. Last evaluated: 2025-12-01. Review status: criteria provided, single submitter. Criteria: CeGaT Center For Human Genetics Tuebingen Variant Classification Criteria Version 2. Collection method: clinical testing. Allele origin: germline. Affected: yes. Observed: 1 variant allele.
Comment: KCNQ5: PM2:Supporting, BP4

NM_019842.4(KCNQ5):c.127C>A (p.Arg43=)

Genes: KCNQ5 (potassium voltage-gated channel subfamily Q member 5; plus strand), KCNQ5-DT (KCNQ5 divergent transcript; minus strand), LOC129996711 (ATAC-STARR-seq lymphoblastoid silent region 17329; plus strand). Cytogenetic location: 6q13.
Variant type: single nucleotide variant.
Coding change: c.127C>A on transcript NM_019842.4 (MANE Select); coding-DNA position 127, C replaced by A.
Protein change: p.Arg43=; no amino-acid change (arginine 43 retained).
Molecular consequence: synonymous variant.
Genome position (GRCh38, 1-based): chr6:72,622,316, C>A. VCF-style: chr6-72622316-C-A. GRCh37 (hg19) VCF-style: chr6-73332044-C-A.
Other names: c.127C>A, p.Arg43= (NM_001160130.2, NM_001160132.2, NM_001160133.2 and 1 more transcripts).
Identifiers: ClinVar variation 4681893 (VCV004681893.5).